The following is an entry in ClinVar:

NM_001429.4(EP300):c.152C>T (p.Thr51Ile)

Gene: EP300 (E1A binding protein p300; plus strand). Cytogenetic location: 22q13.2.
Variant type: single nucleotide variant.
Coding change: c.152C>T on transcript NM_001429.4 (MANE Select); coding-DNA position 152, C replaced by T.
Protein change: p.Thr51Ile; replaces threonine 51 with isoleucine.
Molecular consequence: missense variant.
Genome position (GRCh38, 1-based): chr22:41,117,244, C>T. VCF-style: chr22-41117244-C-T. GRCh37 (hg19) VCF-style: chr22-41513248-C-T.
Other names: c.152C>T, p.Thr51Ile (NM_001362843.2); short protein forms T51I.
Identifiers: ClinVar variation 1710411 (VCV001710411.3), dbSNP rs2518115448, ClinGen allele CA411679716.

ClinVar aggregate classification (germline): Uncertain significance (1 of 4 stars; one submission).

Submission:

Greenwood Genetic Center Diagnostic Laboratories, Greenwood Genetic Center
Classification: Uncertain significance. Last evaluated: 2022-09-21. Review status: criteria provided, single submitter. Criteria: ACMG Guidelines, 2015. Collection method: clinical testing. Allele origin: germline. Affected: yes.
Comment: PM2